The following is an entry in ClinVar:

ClinVar aggregate classification (germline): Uncertain significance (1 of 4 stars; one submission).

Submission:

GeneDx
Classification: Uncertain significance. Last evaluated: 2023-11-11. Review status: criteria provided, single submitter. Criteria: GeneDx Variant Classification Process June 2021. Collection method: clinical testing. Allele origin: germline. Affected: yes.
Comment: Not observed at significant frequency in large population cohorts (gnomAD); In silico analysis supports that this missense variant does not alter protein structure/function; Has not been previously published as pathogenic or benign to our knowledge

NM_019066.5(MAGEL2):c.2069C>T (p.Pro690Leu)

Gene: MAGEL2 (MAGE family member L2; minus strand). Cytogenetic location: 15q11.2.
Variant type: single nucleotide variant.
Coding change: c.2069C>T on transcript NM_019066.5 (MANE Select); coding-DNA position 2069, C replaced by T.
Protein change: p.Pro690Leu; replaces proline 690 with leucine.
Molecular consequence: missense variant.
Genome position (GRCh38, 1-based): chr15:23,645,674, G>A on the plus strand (C>T on the coding strand, the complement: MAGEL2 is on the minus strand). VCF-style: chr15-23645674-G-A. GRCh37 (hg19) VCF-style: chr15-23890821-G-A.
Other names: short protein forms P690L.
Identifiers: ClinVar variation 3364328 (VCV003364328.1).